The following is an entry in ClinVar:

NM_000512.5(GALNS):c.1459A>T (p.Asn487Tyr)

Genes: GALNS (galactosamine (N-acetyl)-6-sulfatase; minus strand), LOC126862447 (CDK7 strongly-dependent group 2 enhancer GRCh37_chr16:88884193-88885392; plus strand). Cytogenetic location: 16q24.3.
Variant type: single nucleotide variant.
Coding change: c.1459A>T on transcript NM_000512.5 (MANE Select); coding-DNA position 1459, A replaced by T.
Protein change: p.Asn487Tyr; replaces asparagine 487 with tyrosine.
Molecular consequence: missense variant.
Genome position (GRCh38, 1-based): chr16:88,818,030, T>A on the plus strand (A>T on the coding strand, the complement: GALNS is on the minus strand). VCF-style: chr16-88818030-T-A. GRCh37 (hg19) VCF-style: chr16-88884438-T-A.
Other names: c.904A>T, p.Asn302Tyr (NM_001323543.2); c.1477A>T, p.Asn493Tyr (NM_001323544.2); short protein forms N302Y, N487Y, N493Y.
Identifiers: ClinVar variation 3251888 (VCV003251888.4), dbSNP rs2508364664.

ClinVar aggregate classification (germline): Conflicting classifications of pathogenicity. Review status: criteria provided, conflicting classifications (1 of 4 stars). 3 submissions from 3 submitters: Likely pathogenic (1); Uncertain significance (2). Last evaluated 2024-04-18.

Conditions:
Mucopolysaccharidosis, MPS-IV-A (MPS4A). Also called: Morquio syndrome A, mild; MORQUIO SYNDROME A; GALACTOSAMINE-6-SULFATASE DEFICIENCY; GALNS DEFICIENCY; MORQUIO A DISEASE; Mucopolysaccharidosis type IV A. Identifiers: Orphanet 309297, Orphanet 582, MedGen C0086651, MONDO:0009659, OMIM 253000.

Submissions (3):

Fulgent Genetics
Classification: Likely pathogenic for Mucopolysaccharidosis, MPS-IV-A. Last evaluated: 2024-04-18. Review status: criteria provided, single submitter. Criteria: ACMG Guidelines, 2015. Collection method: clinical testing. Allele origin: germline.

Women's Health and Genetics/Laboratory Corporation of America, LabCorp
Classification: Uncertain significance. Last evaluated: 2024-04-18. Review status: criteria provided, single submitter. Criteria: LabCorp Variant Classification Summary - May 2015. Collection method: clinical testing. Allele origin: germline.
Comment: Variant summary: GALNS c.1459A>T (p.Asn487Tyr) results in a non-conservative amino acid change in the encoded protein sequence. Five of five in-silico tools predict a damaging effect of the variant on protein function. The variant allele was found at a frequency of 2e-05 in 202644 control chromosomes. The available data on variant occurrences in the general population are insufficient to allow any conclusion about variant significance. c.1459A>T has been reported in the literature in an individual affected with Mucopolysaccharidosis Type IVA (Morquio Syndrome A) (example: YI_2022). These data do not allow any conclusion about variant significance. To our knowledge, no experimental evidence demonstrating an impact on protein function has been reported. The following publication has been ascertained in the context of this evaluation (PMID: 35212421). No submitters have cited clinical-significance assessments for this variant to ClinVar. Based on the evidence outlined above, the variant was classified as uncertain significance.

Juno Genomics, Hangzhou Juno Genomics, Inc
Classification: Uncertain significance for Mucopolysaccharidosis, MPS-IV-A. Review status: criteria provided, single submitter. Criteria: ACMG Guidelines, 2015. Collection method: clinical testing. Allele origin: germline.
Comment: Absent from controls (or at extremely low frequency if recessive) in Genome Aggregation Database.;Multiple lines of computational evidence support a deleterious effect on the gene or gene product.;Patient's phenotype or family history is highly specific for a disease with a single genetic etiology.

Literature cited by the submitters: PubMed 34867278 (cited by Women's Health and Genetics/Laboratory Corporation of America, LabCorp); PubMed 35212421 (cited by Women's Health and Genetics/Laboratory Corporation of America, LabCorp).